The following is an entry in ClinVar:

NM_017841.4(SDHAF2):c.340A>G (p.Asn114Asp)

Gene: SDHAF2 (succinate dehydrogenase complex assembly factor 2; plus strand). Cytogenetic location: 11q12.2.
Variant type: single nucleotide variant.
Coding change: c.340A>G on transcript NM_017841.4 (MANE Select); coding-DNA position 340, A replaced by G.
Protein change: p.Asn114Asp; replaces asparagine 114 with aspartic acid.
Molecular consequence: missense variant.
Genome position (GRCh38, 1-based): chr11:61,438,083, A>G. VCF-style: chr11-61438083-A-G. GRCh37 (hg19) VCF-style: chr11-61205555-A-G.
Other names: short protein forms N114D.
Identifiers: ClinVar variation 4721664 (VCV004721664.1).

ClinVar aggregate classification (germline): Uncertain significance (1 of 4 stars; one submission).

Conditions:
Hereditary pheochromocytoma and paraganglioma. Also called: Hereditary pheochromocytoma-paraganglioma; Hereditary Paraganglioma-Pheochromocytoma Syndromes; Hereditary paragangliomas and pheochromocytomas. Identifiers: Orphanet 29072, MedGen C4274332, MONDO:0017366.

gnomAD v4.1: 1 of 1,613,964 alleles (0.000062%); highest among the groups gnomAD compares: Non-Finnish European, 0.000085%; no homozygotes.

Submission:

Labcorp Genetics (formerly Invitae), Labcorp
Classification: Uncertain significance for Hereditary pheochromocytoma and paraganglioma. Last evaluated: 2025-06-18. Review status: criteria provided, single submitter. Criteria: Invitae Variant Classification Sherloc (09022015). Collection method: clinical testing. Allele origin: germline.
Comment: This sequence change replaces asparagine, which is neutral and polar, with aspartic acid, which is acidic and polar, at codon 114 of the SDHAF2 protein (p.Asn114Asp). This variant is not present in population databases (gnomAD no frequency). This variant has not been reported in the literature in individuals affected with SDHAF2-related conditions. An algorithm developed to predict the effect of missense changes on protein structure and function (PolyPhen-2) suggests that this variant is likely to be disruptive. In summary, the available evidence is currently insufficient to determine the role of this variant in disease. Therefore, it has been classified as a Variant of Uncertain Significance.